The following is an entry in ClinVar:

ClinVar aggregate classification (germline): Uncertain significance (1 of 4 stars; one submission).

Conditions:
BLTP1-related disorder. Also called: BLTP1-related condition.

gnomAD v4.1: 16 of 1,597,082 alleles (0.001%); highest among the groups gnomAD compares: Admixed American, 0.012%; no homozygotes.

Submission:

PreventionGenetics, part of Exact Sciences
Classification: Uncertain significance for BLTP1-related condition. Last evaluated: 2025-11-07. Review status: criteria provided, single submitter. Criteria: ACMG Guidelines, 2015. Collection method: clinical testing. Allele origin: germline.
Comment: The BLTP1 c.8151C>T variant is not predicted to result in an amino acid change (p.=). This variant is predicted to alter splicing based on available splicing prediction programs (SpliceAI, Jaganathan et al. 2019. PubMed ID: 30661751). However, the use of computer prediction programs is not equivalent to functional evidence. To our knowledge, this variant has not been reported in the literature. This variant is reported in 0.0092% of alleles in individuals of Latino descent in gnomAD. At this time, the clinical significance of this variant is uncertain due to the absence of conclusive functional and genetic evidence.

NM_001384125.1(BLTP1):c.8151C>T (p.Ser2717=)

Gene: BLTP1 (bridge-like lipid transfer protein family member 1; plus strand). Cytogenetic location: 4q27.
Variant type: single nucleotide variant.
Coding change: c.8151C>T on transcript NM_001384125.1 (MANE Select); coding-DNA position 8151, C replaced by T.
Protein change: p.Ser2717=; no amino-acid change (serine 2717 retained).
Molecular consequence: synonymous variant.
Genome position (GRCh38, 1-based): chr4:122,271,675, C>T. VCF-style: chr4-122271675-C-T. GRCh37 (hg19) VCF-style: chr4-123192830-C-T.
Other names: c.8151C>T, p.Ser2717= (NM_015312.4).
Identifiers: ClinVar variation 4981123 (VCV004981123.1).